The following is an entry in ClinVar:

ClinVar aggregate classification (germline): Likely pathogenic (1 of 4 stars; one submission).

Submission:

Athena Diagnostics
Classification: Likely pathogenic. Last evaluated: 2023-05-01. Review status: criteria provided, single submitter. Criteria: Athena Diagnostics Criteria. Collection method: clinical testing. Allele origin: unknown.
Comment: This variant is expected to result in the loss of a functional protein. This variant has not been reported in large, multi-ethnic general populations.

NM_000548.5(TSC2):c.4030_4038delinsT (p.Glu1344fs)

Gene: TSC2 (TSC complex subunit 2; plus strand). Cytogenetic location: 16p13.3.
Variant type: Indel.
Coding change: c.4030_4038delinsT on transcript NM_000548.5 (MANE Select); coding-DNA positions 4030 to 4038, GAGAAGTCG replaced by T.
Protein change: p.Glu1344fs; shifts the reading frame from glutamic acid 1344.
Molecular consequence: frameshift variant. On other transcripts: non-coding transcript variant (5).
Genome position (GRCh38, 1-based): chr16:2,084,252-2,084,260, GAGAAGTCG replaced by T. VCF-style: chr16-2084252-GAGAAGTCG-T. GRCh37 (hg19) VCF-style: chr16-2134253-GAGAAGTCG-T.
Other names: c.4030_4038delGAGAAGTCGinsT, p.Glu1344Serfs (NM_000548.3); c.3829_3837delinsT, p.Glu1277fs (NM_001077183.3); c.3961_3969delinsT, p.Glu1321fs (NM_001114382.3); c.3721_3729delinsT, p.Glu1241fs (NM_001318827.2); c.3685_3693delinsT, p.Glu1229fs (NM_001318829.2); c.3298_3306delinsT, p.Glu1100fs (NM_001318831.2); c.3862_3870delinsT, p.Glu1288fs (NM_001318832.2); c.3832_3840delinsT, p.Glu1278fs (NM_001363528.2); and 27 more; short protein forms E1077fs, E1078fs, E1100fs, E1120fs, E1121fs, E1124fs, E1144fs, E1228fs.
Identifiers: ClinVar variation 2684084 (VCV002684084.1), dbSNP rs2544255256, ClinGen allele CA2697549576.